The following is an entry in ClinVar:

ClinVar aggregate classification (germline): Uncertain significance (1 of 4 stars; one submission).

Submission:

Labcorp Genetics (formerly Invitae), Labcorp
Classification: Uncertain significance. Last evaluated: 2023-06-22. Review status: criteria provided, single submitter. Criteria: Invitae Variant Classification Sherloc (09022015). Collection method: clinical testing. Allele origin: germline.
Comment: This variant, c.99_110dup, results in the insertion of 4 amino acid(s) of the DLX6 protein (p.Gln41_Gln44dup), but otherwise preserves the integrity of the reading frame. The frequency data for this variant in the population databases is considered unreliable, as metrics indicate poor data quality at this position in the gnomAD database. This variant has not been reported in the literature in individuals affected with DLX6-related conditions. Experimental studies and prediction algorithms are not available or were not evaluated, and the functional significance of this variant is currently unknown. In summary, the available evidence is currently insufficient to determine the role of this variant in disease. Therefore, it has been classified as a Variant of Uncertain Significance.

NM_005222.4(DLX6):c.99_110dup (p.Gln44_Pro45insGlnGlnGlnGln)

Genes: DLX6 (distal-less homeobox 6; plus strand), DLX6-AS1 (DLX6 antisense RNA 1; minus strand). Cytogenetic location: 7q21.3.
Variant type: Duplication.
Coding change: c.99_110dup on transcript NM_005222.4 (MANE Select); coding-DNA positions 99 to 110, 12 bases duplicated (ACAGCAGCAGCA).
Protein change: p.Gln44_Pro45insGlnGlnGlnGln.
Molecular consequence: inframe insertion.
Genome position (GRCh38, 1-based): chr7:97,006,076-97,006,087, ACAGCAGCAGCA duplicated; duplicating any 12 consecutive bases within chr7:97,006,065-97,006,087 gives the same sequence; the c. name uses the placement nearest the transcript's 3' end. VCF-style (leftmost placement, unchanged base first): chr7-97006064-G-GCAGCAGCAGCAA. GRCh37 (hg19) VCF-style: chr7-96635376-G-GCAGCAGCAGCAA.
Identifiers: ClinVar variation 2894545 (VCV002894545.3), dbSNP rs754232631, ClinGen allele CA4353695.